The following is an entry in ClinVar:

ClinVar aggregate classification (germline): Uncertain significance (1 of 4 stars; one submission).

Submission:

GeneDx
Classification: Uncertain significance. Last evaluated: 2022-06-20. Review status: criteria provided, single submitter. Criteria: GeneDx Variant Classification Process June 2021. Collection method: clinical testing. Allele origin: germline. Affected: yes.
Comment: Not observed in large population cohorts (gnomAD); In silico analysis supports that this missense variant does not alter protein structure/function; Has not been previously published as pathogenic or benign to our knowledge

NM_001242896.3(DEPDC5):c.4246T>A (p.Leu1416Ile)

Gene: DEPDC5 (DEP domain containing 5, GATOR1 subcomplex subunit; plus strand). Cytogenetic location: 22q12.3.
Variant type: single nucleotide variant.
Coding change: c.4246T>A on transcript NM_001242896.3 (MANE Select); coding-DNA position 4246, T replaced by A.
Protein change: p.Leu1416Ile; replaces leucine 1416 with isoleucine.
Molecular consequence: missense variant. On other transcripts: non-coding transcript variant (5).
Genome position (GRCh38, 1-based): chr22:31,897,524, T>A. VCF-style: chr22-31897524-T-A. GRCh37 (hg19) VCF-style: chr22-32293510-T-A.
Other names: c.4219T>A, p.Leu1407Ile (NM_001136029.4); c.3946T>A, p.Leu1316Ile (NM_001242897.2); c.4180T>A, p.Leu1394Ile (NM_001363852.2, NM_001364320.2); c.4012T>A, p.Leu1338Ile (NM_001363854.2, NM_001364319.2); c.4246T>A, p.Leu1416Ile (NM_001364318.2); c.4162T>A, p.Leu1388Ile (NM_001369901.1, NM_001369902.1); c.4153T>A, p.Leu1385Ile (NM_001369903.1, NM_014662.6); short protein forms L1316I, L1338I, L1385I, L1388I, L1394I, L1407I, L1416I.
Identifiers: ClinVar variation 1693103 (VCV001693103.2), dbSNP rs2149397228, ClinGen allele CA411288140.